The following is an entry in ClinVar:

ClinVar aggregate classification (germline): Uncertain significance (1 of 4 stars; one submission).

Conditions:
Hereditary cancer-predisposing syndrome. Also called: Tumor predisposition; Hereditary Cancer Syndrome; Hereditary neoplastic syndrome; Neoplastic Syndromes, Hereditary. Identifiers: Orphanet 140162, MedGen C0027672, MeSH D009386, MONDO:0015356.

Submission:

Ambry Genetics
Classification: Uncertain significance for Hereditary cancer-predisposing syndrome. Last evaluated: 2023-08-31. Review status: criteria provided, single submitter. Criteria: Ambry Variant Classification Scheme 2023. Collection method: clinical testing. Allele origin: germline.
Comment: The p.L1457V variant (also known as c.4369T>G), located in coding exon 28 of the ATM gene, results from a T to G substitution at nucleotide position 4369. The leucine at codon 1457 is replaced by valine, an amino acid with highly similar properties. This amino acid position is conserved. In addition, the in silico prediction for this alteration is inconclusive. Since supporting evidence is limited at this time, the clinical significance of this alteration remains unclear.

NM_000051.4(ATM):c.4369T>G (p.Leu1457Val)

Gene: ATM (ATM serine/threonine kinase; plus strand). Cytogenetic location: 11q22.3.
Variant type: single nucleotide variant.
Coding change: c.4369T>G on transcript NM_000051.4 (MANE Select); coding-DNA position 4369, T replaced by G.
Protein change: p.Leu1457Val; replaces leucine 1457 with valine.
Molecular consequence: missense variant.
Genome position (GRCh38, 1-based): chr11:108,289,734, T>G. VCF-style: chr11-108289734-T-G. GRCh37 (hg19) VCF-style: chr11-108160461-T-G.
Other names: c.4369T>G, p.Leu1457Val (NM_001351834.2); short protein forms L1457V.
Identifiers: ClinVar variation 2587815 (VCV002587815.2), dbSNP rs2135764100, ClinGen allele CA382532081.